The following is an entry in ClinVar:

NM_030662.4(MAP2K2):c.920-6G>A

Gene: MAP2K2 (mitogen-activated protein kinase kinase 2; minus strand). Cytogenetic location: 19p13.3.
Variant type: single nucleotide variant.
Coding change: c.920-6G>A on transcript NM_030662.4 (MANE Select); 6 bases into the intron before coding-DNA position 920, G replaced by A.
Molecular consequence: intron variant.
Genome position (GRCh38, 1-based): chr19:4,097,349, C>T on the plus strand (G>A on the coding strand, the complement: MAP2K2 is on the minus strand). VCF-style: chr19-4097349-C-T. GRCh37 (hg19) VCF-style: chr19-4097347-C-T.
Other names: c.920-6G>A (NM_030662.3).
Identifiers: ClinVar variation 1579399 (VCV001579399.10), dbSNP rs1258620869, ClinGen allele CA631538919.

ClinVar aggregate classification (germline): Likely benign. Review status: criteria provided, single submitter (1 of 4 stars). 2 submissions from 2 submitters: Likely benign (1). 1 of the submissions does not count toward it. Last evaluated 2024-11-18.

Conditions:
MAP2K2-related disorder. Also called: MAP2K2-related condition.
RASopathy. Also called: rasopathies; Noonan spectrum disorder. Identifiers: Orphanet 536391, MedGen C5555857, MONDO:0021060.

Allele frequency attached by ClinVar (database versions not stated): gnomAD exomes below 0.00001; gnomAD 0.00001; TOPMed 0.00001.
gnomAD v4.1: 10 of 1,610,782 alleles (0.00062%); highest among the groups gnomAD compares: Non-Finnish European, 0.00085%; no homozygotes.

Submissions (2):

Labcorp Genetics (formerly Invitae), Labcorp
Classification: Likely benign for RASopathy. Last evaluated: 2024-11-18. Review status: criteria provided, single submitter. Criteria: Invitae Variant Classification Sherloc (09022015). Collection method: clinical testing. Allele origin: germline.

PreventionGenetics, part of Exact Sciences
Classification: Likely benign for MAP2K2-related condition. Last evaluated: 2021-07-05. Review status: no assertion criteria provided. Collection method: clinical testing. Allele origin: germline. Not counted in ClinVar's aggregate classification.
Comment: This variant is classified as likely benign based on ACMG/AMP sequence variant interpretation guidelines (Richards et al. 2015 PMID: 25741868, with internal and published modifications).